The following is an entry in ClinVar:

ClinVar aggregate classification (germline): Likely benign (1 of 4 stars; one submission).

Conditions:
PKD1-related disorder. Also called: PKD1-related condition.

gnomAD v4.1: 53 of 1,607,168 alleles (0.0033%); highest among the groups gnomAD compares: Admixed American, 0.054%; no homozygotes.

Submission:

PreventionGenetics, part of Exact Sciences
Classification: Likely benign for PKD1-related condition. Last evaluated: 2026-04-21. Review status: criteria provided, single submitter. Criteria: ACMG Guidelines, 2015. Collection method: clinical testing. Allele origin: germline.
Comment: This variant is classified as likely benign based on ACMG/AMP sequence variant interpretation guidelines (Richards et al. 2015 PMID: 25741868, with internal and published modifications).

NM_001009944.3(PKD1):c.7642G>A (p.Glu2548Lys)

Gene: PKD1 (polycystin 1, transient receptor potential channel interacting; minus strand). Cytogenetic location: 16p13.3.
Variant type: single nucleotide variant.
Coding change: c.7642G>A on transcript NM_001009944.3 (MANE Select); coding-DNA position 7642, G replaced by A.
Protein change: p.Glu2548Lys; replaces glutamic acid 2548 with lysine.
Molecular consequence: missense variant.
Genome position (GRCh38, 1-based): chr16:2,106,152, C>T on the plus strand (G>A on the coding strand, the complement: PKD1 is on the minus strand). VCF-style: chr16-2106152-C-T. GRCh37 (hg19) VCF-style: chr16-2156153-C-T.
Other names: c.7642G>A, p.Glu2548Lys (NM_000296.4); short protein forms E2548K.
Identifiers: ClinVar variation 4980850 (VCV004980850.1).